The following is an entry in ClinVar:

NM_000179.3(MSH6):c.1537A>C (p.Ile513Leu)

Gene: MSH6 (mutS homolog 6; plus strand). Cytogenetic location: 2p16.3.
Variant type: single nucleotide variant.
Coding change: c.1537A>C on transcript NM_000179.3 (MANE Select); coding-DNA position 1537, A replaced by C.
Protein change: p.Ile513Leu; replaces isoleucine 513 with leucine.
Molecular consequence: missense variant. On other transcripts: non-coding transcript variant (4), intron variant (1).
Genome position (GRCh38, 1-based): chr2:47,799,520, A>C. VCF-style: chr2-47799520-A-C. GRCh37 (hg19) VCF-style: chr2-48026659-A-C.
Other names: c.1147A>C, p.Ile383Leu (NM_001281492.2); c.631A>C, p.Ile211Leu (NM_001281493.2, NM_001281494.2, NM_001406815.1 and 6 more transcripts); c.1633A>C, p.Ile545Leu (NM_001406795.1, NM_001406802.1); c.1537A>C, p.Ile513Leu (NM_001406796.1, NM_001406798.1, NM_001406800.1 and 4 more transcripts); c.1240A>C, p.Ile414Leu (NM_001406797.1, NM_001406801.1, NM_001406818.1 and 10 more transcripts); c.1012A>C, p.Ile338Leu (NM_001406799.1, NM_001406806.1, NM_001406807.1); c.1369A>C, p.Ile457Leu (NM_001406826.1); c.628-1146A>C (NM_001407362.1); and 2 more; short protein forms I487L, I515L, I211L, I338L, I513L, I383L, I414L, I457L.
Identifiers: ClinVar variation 3633934 (VCV003633934.2).

ClinVar aggregate classification (germline): Uncertain significance (1 of 4 stars; one submission).

Conditions:
Hereditary nonpolyposis colorectal neoplasms. Identifiers: MedGen C0009405, MeSH D003123.

Submission:

Labcorp Genetics (formerly Invitae), Labcorp
Classification: Uncertain significance for Hereditary nonpolyposis colorectal neoplasms. Last evaluated: 2024-06-12. Review status: criteria provided, single submitter. Criteria: Invitae Variant Classification Sherloc (09022015). Collection method: clinical testing. Allele origin: germline.
Comment: This sequence change replaces isoleucine, which is neutral and non-polar, with leucine, which is neutral and non-polar, at codon 513 of the MSH6 protein (p.Ile513Leu). This variant is not present in population databases (gnomAD no frequency). This variant has not been reported in the literature in individuals affected with MSH6-related conditions. Advanced modeling of protein sequence and biophysical properties (such as structural, functional, and spatial information, amino acid conservation, physicochemical variation, residue mobility, and thermodynamic stability) performed at Invitae indicates that this missense variant is not expected to disrupt MSH6 protein function with a negative predictive value of 95%. In summary, the available evidence is currently insufficient to determine the role of this variant in disease. Therefore, it has been classified as a Variant of Uncertain Significance.